The following is an entry in ClinVar:

NM_001039.4(SCNN1G):c.201C>G (p.Ile67Met)

Gene: SCNN1G (sodium channel epithelial 1 subunit gamma; plus strand). Cytogenetic location: 16p12.2.
Variant type: single nucleotide variant.
Coding change: c.201C>G on transcript NM_001039.4 (MANE Select); coding-DNA position 201, C replaced by G.
Protein change: p.Ile67Met; replaces isoleucine 67 with methionine.
Molecular consequence: missense variant.
Genome position (GRCh38, 1-based): chr16:23,186,472, C>G. VCF-style: chr16-23186472-C-G. GRCh37 (hg19) VCF-style: chr16-23197793-C-G.
Other names: short protein forms I67M.
Identifiers: ClinVar variation 2443054 (VCV002443054.1), dbSNP rs2543567150, ClinGen allele CA395093001.
Genomic context (GRCh38, chr16:23,186,472, plus strand): 5'-CCGCGGCCGTCTGCGCCGCCTCCTCTGGATCGGGTTCACACTGACTGCCGTGGCCCTCAT[C>G]CTCTGGCAGTGCGCCCTCCTCGTCTTCTCCTTCTATACTGTCTCAGTTTCCATCAAAGTC-3'
Protein context (NP_001030.2, residues 57-77): IGFTLTAVAL[Ile67Met]LWQCALLVFS

ClinVar aggregate classification (germline): Uncertain significance (1 of 4 stars; one submission).

Conditions:
Bronchiectasis with or without elevated sweat chloride 3 (BESC3). Identifiers: Orphanet 60033, MedGen C2751324, MONDO:0013112, OMIM 613071.

Submission:

Johns Hopkins Genomics, Johns Hopkins University
Classification: Uncertain significance for Bronchiectasis with or without elevated sweat chloride 3. Last evaluated: 2022-12-05. Review status: criteria provided, single submitter. Criteria: ACMG Guidelines, 2015. Collection method: clinical testing. Allele origin: germline.
Comment: This SCNN1G missense variant is absent from a large population dataset and has not been reported in ClinVar nor the literature, to our knowledge. Two bioinformatic tools queried predict that this substitution would be damaging, but these algorithms have low specificity, especially for predicting gain of function or dominant negative variants. The isoleucine residue at this position is evolutionarily conserved across most of the species assessed. We consider the clinical significance of c.201C>G; p.Ile67Met in SCNN1G to be uncertain at this time.